The following is an entry in ClinVar:

ClinVar aggregate classification (germline): Uncertain significance (1 of 4 stars; one submission).

Conditions:
Autosomal dominant nocturnal frontal lobe epilepsy 5. Also called: Epilepsy, nocturnal frontal lobe, 5; CILIARY DYSKINESIA, PRIMARY, 28, WITHOUT SITUS INVERSUS; CILIARY DYSKINESIA, PRIMARY, 28, WITH SITUS INVERSUS; KCNT1-Related Epilepsy. Identifiers: Orphanet 98784, MedGen C3554306, MONDO:0014002, OMIM 615005.
Developmental and epileptic encephalopathy, 14 (DEE14). Also called: Early infantile epileptic encephalopathy 14. Identifiers: Orphanet 293181, MedGen C3554195, MONDO:0013989, OMIM 614959.

Submission:

Labcorp Genetics (formerly Invitae), Labcorp
Classification: Uncertain significance for Autosomal dominant nocturnal frontal lobe epilepsy 5; Developmental and epileptic encephalopathy, 14. Last evaluated: 2018-01-28. Review status: criteria provided, single submitter. Criteria: Invitae Variant Classification Sherloc (09022015). Collection method: clinical testing. Allele origin: germline.
Comment: In summary, the available evidence is currently insufficient to determine the role of this variant in disease. Therefore, it has been classified as a Variant of Uncertain Significance. This sequence change replaces serine with cysteine at codon 862 of the KCNT1 protein (p.Ser862Cys). The serine residue is moderately conserved and there is a moderate physicochemical difference between serine and cysteine. This variant is not present in population databases (ExAC no frequency). This variant has not been reported in the literature in individuals with KCNT1-related disease. Algorithms developed to predict the effect of missense changes on protein structure and function do not agree on the potential impact of this missense change (SIFT: "Deleterious"; PolyPhen-2: "Benign"; Align-GVGD: "Class C0").

NM_020822.3(KCNT1):c.2585C>G (p.Ser862Cys)

Gene: KCNT1 (potassium sodium-activated channel subfamily T member 1; plus strand). Cytogenetic location: 9q34.3.
Variant type: single nucleotide variant.
Coding change: c.2585C>G on transcript NM_020822.3 (MANE Select); coding-DNA position 2585, C replaced by G.
Protein change: p.Ser862Cys; replaces serine 862 with cysteine.
Molecular consequence: missense variant.
Genome position (GRCh38, 1-based): chr9:135,778,486, C>G. VCF-style: chr9-135778486-C-G. GRCh37 (hg19) VCF-style: chr9-138670332-C-G.
Other names: c.2450C>G, p.Ser817Cys (NM_001272003.2); short protein forms S862C, S817C.
Identifiers: ClinVar variation 579064 (VCV000579064.9), dbSNP rs1564381972, ClinGen allele CA375513983.